The following is an entry in ClinVar:

NM_018896.5(CACNA1G):c.5710C>T (p.Pro1904Ser)

Gene: CACNA1G (calcium voltage-gated channel subunit alpha1 G; plus strand). Cytogenetic location: 17q21.33.
Variant type: single nucleotide variant.
Coding change: c.5710C>T on transcript NM_018896.5 (MANE Select); coding-DNA position 5710, C replaced by T.
Protein change: p.Pro1904Ser; replaces proline 1904 with serine.
Molecular consequence: missense variant. On other transcripts: non-coding transcript variant (5).
Genome position (GRCh38, 1-based): chr17:50,618,937, C>T. VCF-style: chr17-50618937-C-T. GRCh37 (hg19) VCF-style: chr17-48696298-C-T.
Other names: c.5656C>T, p.Pro1886Ser (NM_001256324.2, NM_198386.3); c.5731C>T, p.Pro1911Ser (NM_001256325.2); c.5575C>T, p.Pro1859Ser (NM_001256326.2, NM_001256330.2); c.5689C>T, p.Pro1897Ser (NM_001256327.2); c.5635C>T, p.Pro1879Ser (NM_001256328.2); c.5608C>T, p.Pro1870Ser (NM_001256329.2, NM_198376.3, NM_198379.3 and 2 more transcripts); c.5554C>T, p.Pro1852Ser (NM_001256331.2); c.5539C>T, p.Pro1847Ser (NM_001256332.2); and 7 more; short protein forms P1847S, P1852S, P1859S, P1863S, P1866S, P1868S, P1870S, P1877S.
Identifiers: ClinVar variation 3368517 (VCV003368517.1).

ClinVar aggregate classification (germline): Uncertain significance (1 of 4 stars; one submission).

Submission:

GeneDx
Classification: Uncertain significance. Last evaluated: 2024-01-29. Review status: criteria provided, single submitter. Criteria: GeneDx Variant Classification Process June 2021. Collection method: clinical testing. Allele origin: germline. Affected: yes.
Comment: Not observed at significant frequency in large population cohorts (gnomAD); In silico analysis supports that this missense variant does not alter protein structure/function; Has not been previously published as pathogenic or benign to our knowledge